The following is an entry in ClinVar:

NM_002336.3(LRP6):c.2041dup (p.Ile681fs)

Gene: LRP6 (LDL receptor related protein 6; minus strand). Cytogenetic location: 12p13.2.
Variant type: Duplication.
Coding change: c.2041dup on transcript NM_002336.3 (MANE Select); coding-DNA position 2041, one base duplicated (A; older notation c.2041dupA).
Protein change: p.Ile681fs; shifts the reading frame from isoleucine 681.
Molecular consequence: frameshift variant. On other transcripts: non-coding transcript variant (1), intron variant (1).
Genome position (GRCh38, 1-based): chr12:12,164,284, T duplicated on the plus strand (A on the coding strand, the reverse complement: LRP6 is on the minus strand). VCF-style (leftmost placement, unchanged base first): chr12-12164283-A-AT. GRCh37 (hg19) VCF-style: chr12-12317217-A-AT.
Other names: c.2041dup, p.Ile681fs (NM_001414244.1, NM_001414245.1, NM_001414246.1 and 4 more transcripts); c.1843dup, p.Ile615fs (NM_001414247.1); c.1588dup, p.Ile530fs (NM_001414252.1, NM_001414253.1, NM_001414254.1); c.1546-1865dup (NM_001414255.1); short protein forms I530fs, I615fs, I681fs.
Identifiers: ClinVar variation 3662372 (VCV003662372.2).

ClinVar aggregate classification (germline): Pathogenic (1 of 4 stars; one submission).

Submission:

Labcorp Genetics (formerly Invitae), Labcorp
Classification: Pathogenic. Last evaluated: 2024-12-04. Review status: criteria provided, single submitter. Criteria: Invitae Variant Classification Sherloc (09022015). Collection method: clinical testing. Allele origin: germline.
Comment: This sequence change creates a premature translational stop signal (p.Ile681Asnfs*50) in the LRP6 gene. It is expected to result in an absent or disrupted protein product. Loss-of-function variants in LRP6 are known to be pathogenic (PMID: 26387593). This variant is not present in population databases (gnomAD no frequency). This variant has not been reported in the literature in individuals affected with LRP6-related conditions. For these reasons, this variant has been classified as Pathogenic.

Literature cited by the submitters: PubMed 26387593.